The following is an entry in ClinVar:

ClinVar aggregate classification (germline): Pathogenic. Review status: reviewed by expert panel (3 of 4 stars). 4 submissions from 4 submitters: Pathogenic (1). 3 of the submissions do not count toward it. Last evaluated 2016-10-18.

Conditions:
Breast-ovarian cancer, familial, susceptibility to, 2 (BROVCA2). Also called: BRCA2 Hereditary Breast and Ovarian Cancer. Identifiers: Orphanet 145, MedGen C2675520, MONDO:0012933, OMIM 612555. Disease mechanism: loss of function.
Hereditary cancer-predisposing syndrome. Also called: Hereditary neoplastic syndrome; Neoplastic Syndromes, Hereditary; Tumor predisposition; Hereditary Cancer Syndrome. Identifiers: Orphanet 140162, MedGen C0027672, MeSH D009386, MONDO:0015356.
Hereditary breast ovarian cancer syndrome. Also called: BRCA1- and BRCA2-Associated Hereditary Breast and Ovarian Cancer; Hereditary breast and ovarian cancer; Breast and ovarian cancer; Hereditary breast and/or ovarian cancer syndrome; Hereditary breast and ovarian cancer syndrome; Hereditary breast and ovarian cancer syndrome (HBOC). Identifiers: Orphanet 145, MedGen C0677776, MeSH D061325, MONDO:0003582. Disease mechanism: loss of function.

Submissions (4):

Evidence-based Network for the Interpretation of Germline Mutant Alleles (ENIGMA)
Classification: Pathogenic for Breast-ovarian cancer, familial, susceptibility to, 2. Last evaluated: 2016-10-18. Review status: reviewed by expert panel. Criteria: ENIGMA BRCA1/2 Classification Criteria (2015). Collection method: curation. Allele origin: germline.
Comment: Variant allele predicted to encode a truncated non-functional protein.

Ambry Genetics
Classification: Pathogenic for Hereditary cancer-predisposing syndrome. Last evaluated: 2020-06-09. Review status: criteria provided, single submitter. Criteria: Ambry Variant Classification Scheme 2023. Collection method: clinical testing. Allele origin: germline. Not counted in ClinVar's aggregate classification.
Comment: The p.K2777* pathogenic mutation (also known as c.8329A>T), located in coding exon 17 of the BRCA2 gene, results from an A to T substitution at nucleotide position 8329. This changes the amino acid from a lysine to a stop codon within coding exon 17. This variant was detected in 1/2953 Korean patients at risk for hereditary breast and ovarian cancer (Kang E et al. Breast Cancer Res. Treat., 2015 May;151:157-68). In addition to the clinical data presented in the literature, this alteration is expected to result in loss of function by premature protein truncation or nonsense-mediated mRNA decay. As such, this alteration is interpreted as a disease-causing mutation.

Labcorp Genetics (formerly Invitae), Labcorp
Classification: Pathogenic for Hereditary breast ovarian cancer syndrome. Last evaluated: 2019-02-24. Review status: criteria provided, single submitter. Criteria: Invitae Variant Classification Sherloc (09022015). Collection method: clinical testing. Allele origin: germline. Not counted in ClinVar's aggregate classification.
Comment: This sequence change creates a premature translational stop signal (p.Lys2777*) in the BRCA2 gene. It is expected to result in an absent or disrupted protein product. This variant is not present in population databases (ExAC no frequency). This variant has been observed in an individual with high risk of breast and/or ovarian cancer (PMID: 25863477). ClinVar contains an entry for this variant (Variation ID: 267072). Loss-of-function variants in BRCA2 are known to be pathogenic (PMID: 20104584). For these reasons, this variant has been classified as Pathogenic.

Consortium of Investigators of Modifiers of BRCA1/2 (CIMBA), c/o University of Cambridge
Classification: Pathogenic for Breast-ovarian cancer, familial, susceptibility to, 2. Last evaluated: 2015-10-02. Review status: criteria provided, single submitter. Criteria: CIMBA Mutation Classification guidelines May 2016. Collection method: clinical testing. Allele origin: germline. Not counted in ClinVar's aggregate classification.

Literature cited by the submitters: PubMed 25863477 (cited by Ambry Genetics and Labcorp Genetics (formerly Invitae), Labcorp); PubMed 29446198 (cited by Ambry Genetics); PubMed 20104584 (cited by Labcorp Genetics (formerly Invitae), Labcorp).

NM_000059.4(BRCA2):c.8329A>T (p.Lys2777Ter)

Gene: BRCA2 (BRCA2 DNA repair associated; plus strand). Cytogenetic location: 13q13.1.
Variant type: single nucleotide variant.
Coding change: c.8329A>T on transcript NM_000059.4 (MANE Select); coding-DNA position 8329, A replaced by T.
Protein change: p.Lys2777Ter; replaces lysine 2777 with a stop codon.
Molecular consequence: nonsense.
Genome position (GRCh38, 1-based): chr13:32,363,531, A>T. VCF-style: chr13-32363531-A-T. GRCh37 (hg19) VCF-style: chr13-32937668-A-T.
Other names: 8557A>T; short protein forms K2777*.
Identifiers: ClinVar variation 267072 (VCV000267072.17), dbSNP rs886037818, ClinGen allele CA10589484.
Genomic context (GRCh38, chr13:32,363,531, plus strand): 5'-GAACTGGTGGGCTCTCCTGATGCCTGTACACCTCTTGAAGCCCCAGAATCTCTTATGTTA[A>T]AGGTAAATTAATTTGCACTCTTGGTAAAAATCAGTCATTGATTCAGTTAAATTCTAGAAG-3'